The following is an entry in ClinVar:

ClinVar aggregate classification (germline): Pathogenic. Review status: criteria provided, multiple submitters, no conflicts (2 of 4 stars). 2 submissions from 2 submitters: Pathogenic (2). Last evaluated 2025-01-25.

Conditions:
Optic atrophy. Identifiers: MedGen C0029124, MONDO:0003608, HP:0000648.

Submissions (2):

Labcorp Genetics (formerly Invitae), Labcorp
Classification: Pathogenic. Last evaluated: 2025-01-25. Review status: criteria provided, single submitter. Criteria: Invitae Variant Classification Sherloc (09022015). Collection method: clinical testing. Allele origin: germline.
Comment: This sequence change falls in intron 12 of the OPA1 gene. It does not directly change the encoded amino acid sequence of the OPA1 protein. RNA analysis indicates that this variant induces altered splicing and likely results in a shortened protein product. This variant is not present in population databases (gnomAD no frequency). This variant has been observed in individuals with autosomal dominant optic atrophy (PMID: 19969356, 33884488). It has also been observed to segregate with disease in related individuals. This variant is also known as c.1212+2insT and c.1377+2dup. Studies have shown that this variant alters OPA1 gene expression (PMID: 25744979). Variants that disrupt the consensus splice site are a relatively common cause of aberrant splicing (PMID: 17576681, 9536098). Studies have shown that this variant results in skipping of exon 12, but is expected to preserve the integrity of the reading-frame (PMID: 19969356). For these reasons, this variant has been classified as Pathogenic.

Clinical Genetics Laboratory, Skane University Hospital Lund
Classification: Pathogenic for Optic atrophy. Last evaluated: 2024-10-08. Review status: criteria provided, single submitter. Criteria: ACMG Guidelines, 2015. Collection method: clinical testing. Allele origin: germline. Affected: yes.
Comment: ACMG criteria used: PVS1, PS4_Moderate, PM2

Literature cited by the submitters: PubMed 19969356 (cited by Labcorp Genetics (formerly Invitae), Labcorp); PubMed 33884488 (cited by Labcorp Genetics (formerly Invitae), Labcorp); PubMed 25744979 (cited by Labcorp Genetics (formerly Invitae), Labcorp); PubMed 17576681 (cited by Labcorp Genetics (formerly Invitae), Labcorp); PubMed 9536098 (cited by Labcorp Genetics (formerly Invitae), Labcorp).

NM_130837.3(OPA1):c.1377+2dup

Gene: OPA1 (OPA1 mitochondrial dynamin like GTPase; plus strand). Cytogenetic location: 3q29.
Variant type: Duplication.
Coding change: c.1377+2dup on transcript NM_130837.3 (MANE Select); the canonical splice donor site of the intron after coding-DNA position 1377, one base duplicated (T; older notation c.1377+2dupT).
Molecular consequence: splice donor variant.
Genome position (GRCh38, 1-based): chr3:193,643,446, T duplicated. VCF-style (leftmost placement, unchanged base first): chr3-193643445-G-GT. GRCh37 (hg19) VCF-style: chr3-193361234-G-GT.
Other names: c.840+2dup (NM_001354664.2); c.843+2dup (NM_001354663.2); c.1266+2dup (NM_130834.3); c.1323+2dup (NM_130836.3); c.1212+2dup (NM_015560.3); c.1269+2dup (NM_130835.3); c.1158+2dup (NM_130832.3); c.1215+2dup (NM_130833.3); and 1 more.
Identifiers: ClinVar variation 3720552 (VCV003720552.3).
Genomic context (GRCh38, chr3:193,643,445, plus strand): 5'-AATGTAAAAGGCCCTGGACTACAGAGGATGGTGCTTGTTGACTTACCAGGTGTGATTAAT[G>GT]TAAGTATATACAAAACATGTATTTTATTTTATTCTTATTGTGTGAAGCATTTATAATGAC-3'